The following is an entry in ClinVar:

ClinVar aggregate classification (germline): Pathogenic. Review status: criteria provided, multiple submitters, no conflicts (2 of 4 stars). 2 submissions from 2 submitters: Pathogenic (2). Last evaluated 2021-11-17.

Conditions:
Hereditary spastic paraplegia 4. Also called: Spastic Paraplegia 4; Familial spastic paraplegia autosomal dominant 2; Spastic paraplegia 4, autosomal dominant. Identifiers: Orphanet 100985, MedGen C1866855, MONDO:0008438, OMIM 182601.
Hereditary spastic paraplegia. Also called: Familial spastic paraparesis. Identifiers: Orphanet 685, MedGen C0037773, MONDO:0019064. Disease mechanism: loss of function.

Submissions (2):

Genome Diagnostics Laboratory, The Hospital for Sick Children
Classification: Pathogenic for Hereditary spastic paraplegia. Last evaluated: 2021-11-17. Review status: criteria provided, single submitter. Criteria: ACMG Guidelines, 2015. Collection method: clinical testing. Allele origin: germline. Affected: yes.

Labcorp Genetics (formerly Invitae), Labcorp
Classification: Pathogenic for Hereditary spastic paraplegia 4. Last evaluated: 2019-12-11. Review status: criteria provided, single submitter. Criteria: Invitae Variant Classification Sherloc (09022015). Collection method: clinical testing. Allele origin: germline.
Comment: This variant has not been reported in the literature in individuals with SPAST-related conditions. This variant is not present in population databases (ExAC no frequency). This sequence change creates a premature translational stop signal (p.Glu464*) in the SPAST gene. It is expected to result in an absent or disrupted protein product. Loss-of-function variants in SPAST are known to be pathogenic (PMID: 20932283). For these reasons, this variant has been classified as Pathogenic.

Literature cited by the submitters: PubMed 20932283 (cited by Labcorp Genetics (formerly Invitae), Labcorp).

NM_014946.4(SPAST):c.1390G>T (p.Glu464Ter)

Gene: SPAST (spastin; plus strand). Cytogenetic location: 2p22.3.
Variant type: single nucleotide variant.
Coding change: c.1390G>T on transcript NM_014946.4 (MANE Select); coding-DNA position 1390, G replaced by T.
Protein change: p.Glu464Ter; replaces glutamic acid 464 with a stop codon.
Molecular consequence: nonsense.
Genome position (GRCh38, 1-based): chr2:32,136,945, G>T. VCF-style: chr2-32136945-G-T. GRCh37 (hg19) VCF-style: chr2-32362014-G-T.
Other names: c.1387G>T, p.Glu463Ter (NM_001363823.2); c.1291G>T, p.Glu431Ter (NM_001363875.2); c.1294G>T, p.Glu432Ter (NM_001377959.1, NM_199436.2); short protein forms E463*, E431*, E432*, E464*.
Identifiers: ClinVar variation 848809 (VCV000848809.9), dbSNP rs1679556566, ClinGen allele CA346502312.